The following is an entry in ClinVar:

ClinVar aggregate classification (germline): Conflicting classifications of pathogenicity. Review status: criteria provided, conflicting classifications (1 of 4 stars). 4 submissions from 4 submitters: Uncertain significance (1); Likely benign (2). 1 of the submissions does not count toward it. Last evaluated 2026-01-06.

Conditions:
TYROBP-related disorder. Also called: TYROBP-related condition.

Allele frequency attached by ClinVar (database versions not stated): gnomAD exomes 0.00032; ExAC 0.00054; gnomAD 0.00110 and 0.00118; ESP Exome Variant Server 0.00123; 1000 Genomes Project 0.00140; TOPMed 0.00147; 1000 Genomes Project 30x 0.00156.
gnomAD v4.1: 372 of 1,609,566 alleles (0.023%); highest among the groups gnomAD compares: African/African-American, 0.38%; 1 homozygote.

Submissions (4):

Labcorp Genetics (formerly Invitae), Labcorp
Classification: Likely benign. Last evaluated: 2026-01-06. Review status: criteria provided, single submitter. Criteria: Invitae Variant Classification Sherloc (09022015). Collection method: clinical testing. Allele origin: germline.

Mayo Clinic Laboratories, Mayo Clinic
Classification: Uncertain significance. Last evaluated: 2023-12-12. Review status: criteria provided, single submitter. Criteria: ACMG Guidelines, 2015. Collection method: clinical testing. Allele origin: germline. Observed: 3 variant alleles.

Eurofins Ntd Llc (ga)
Classification: Likely benign. Last evaluated: 2017-04-13. Review status: criteria provided, single submitter. Criteria: EGL Classification Definitions 2015. Collection method: clinical testing. Allele origin: germline. Observed: 1 variant allele, 1 heterozygote.

PreventionGenetics, part of Exact Sciences
Classification: Likely benign for TYROBP-related condition. Last evaluated: 2022-07-28. Review status: no assertion criteria provided. Collection method: clinical testing. Allele origin: germline. Not counted in ClinVar's aggregate classification.
Comment: This variant is classified as likely benign based on ACMG/AMP sequence variant interpretation guidelines (Richards et al. 2015 PMID: 25741868, with internal and published modifications).

Literature cited by the submitters: PubMed 27658901 (cited by Mayo Clinic Laboratories, Mayo Clinic).

NM_003332.4(TYROBP):c.238C>T (p.Arg80Trp)

Gene: TYROBP (transmembrane immune signaling adaptor TYROBP; minus strand). Cytogenetic location: 19q13.12.
Variant type: single nucleotide variant.
Coding change: c.238C>T on transcript NM_003332.4 (MANE Select); coding-DNA position 238, C replaced by T.
Protein change: p.Arg80Trp; replaces arginine 80 with tryptophan.
Molecular consequence: missense variant. On other transcripts: non-coding transcript variant (1).
Genome position (GRCh38, 1-based): chr19:35,907,256, G>A on the plus strand (C>T on the coding strand, the complement: TYROBP is on the minus strand). VCF-style: chr19-35907256-G-A. GRCh37 (hg19) VCF-style: chr19-36398158-G-A.
Other names: p.Arg80Trp; c.205C>T, p.Arg69Trp (NM_001173514.2); c.202C>T, p.Arg68Trp (NM_001173515.2); c.235C>T, p.Arg79Trp (NM_198125.3); short protein forms R80W, R79W, R69W, R68W.
Identifiers: ClinVar variation 501065 (VCV000501065.17), dbSNP rs140188939, ClinGen allele CA9393037.